The following is an entry in ClinVar:

ClinVar aggregate classification (germline): Uncertain significance (1 of 4 stars; one submission).

Conditions:
Microcephaly-intellectual disability-sensorineural hearing loss-epilepsy-abnormal muscle tone syndrome (NEDHSB). Also called: NEURODEVELOPMENTAL DISORDER WITH HEARING LOSS, SEIZURES, AND BRAIN ABNORMALITIES. Identifiers: Orphanet 457351, MedGen C4225276, MONDO:0014698, OMIM 616577.

Allele frequency attached by ClinVar (database versions not stated): gnomAD exomes below 0.00001; ExAC 0.00001; TOPMed 0.00001.
gnomAD v4.1: 4 of 1,614,236 alleles (0.00025%); highest among the groups gnomAD compares: Admixed American, 0.0017%; no homozygotes.

Submission:

Labcorp Genetics (formerly Invitae), Labcorp
Classification: Uncertain significance for Microcephaly-intellectual disability-sensorineural hearing loss-epilepsy-abnormal muscle tone syndrome. Last evaluated: 2022-02-11. Review status: criteria provided, single submitter. Criteria: Invitae Variant Classification Sherloc (09022015). Collection method: clinical testing. Allele origin: germline.
Comment: In summary, the available evidence is currently insufficient to determine the role of this variant in disease. Therefore, it has been classified as a Variant of Uncertain Significance. Advanced modeling of protein sequence and biophysical properties (such as structural, functional, and spatial information, amino acid conservation, physicochemical variation, residue mobility, and thermodynamic stability) performed at Invitae indicates that this missense variant is not expected to disrupt SPATA5 protein function. This variant has not been reported in the literature in individuals affected with SPATA5-related conditions. This variant is present in population databases (rs767616281, gnomAD 0.007%). This sequence change replaces glutamine, which is neutral and polar, with arginine, which is basic and polar, at codon 244 of the SPATA5 protein (p.Gln244Arg).

NM_145207.3(AFG2A):c.731A>G (p.Gln244Arg)

Gene: AFG2A (AFG2 AAA ATPase homolog A; plus strand). Cytogenetic location: 4q28.1.
Variant type: single nucleotide variant.
Coding change: c.731A>G on transcript NM_145207.3 (MANE Select); coding-DNA position 731, A replaced by G.
Protein change: p.Gln244Arg; replaces glutamine 244 with arginine.
Molecular consequence: missense variant.
Genome position (GRCh38, 1-based): chr4:122,934,322, A>G. VCF-style: chr4-122934322-A-G. GRCh37 (hg19) VCF-style: chr4-123855477-A-G.
Other names: c.728A>G, p.Gln243Arg (NM_001317799.2, NM_001345856.2); short protein forms Q243R, Q244R.
Identifiers: ClinVar variation 2066556 (VCV002066556.2), dbSNP rs767616281, ClinGen allele CA3070308.